The following is an entry in ClinVar:

NM_014915.3(ANKRD26):c.2800C>A (p.Gln934Lys)

Gene: ANKRD26 (ankyrin repeat domain containing 26; minus strand). Cytogenetic location: 10p12.1.
Variant type: single nucleotide variant.
Coding change: c.2800C>A on transcript NM_014915.3 (MANE Select); coding-DNA position 2800, C replaced by A.
Protein change: p.Gln934Lys; replaces glutamine 934 with lysine.
Molecular consequence: missense variant.
Genome position (GRCh38, 1-based): chr10:27,035,650, G>T on the plus strand (C>A on the coding strand, the complement: ANKRD26 is on the minus strand). VCF-style: chr10-27035650-G-T. GRCh37 (hg19) VCF-style: chr10-27324579-G-T.
Other names: c.2797C>A, p.Gln933Lys (NM_001256053.2); short protein forms Q933K, Q934K.
Identifiers: ClinVar variation 3913205 (VCV003913205.1).

ClinVar aggregate classification (germline): Uncertain significance (1 of 4 stars; one submission).

Conditions:
Inborn genetic diseases. Identifiers: MedGen C0950123, MeSH D030342.

Submission:

Ambry Genetics
Classification: Uncertain significance for Inborn genetic diseases. Last evaluated: 2025-03-25. Review status: criteria provided, single submitter. Criteria: Ambry Variant Classification Scheme 2023. Collection method: clinical testing. Allele origin: germline.
Comment: The p.Q934K variant (also known as c.2800C>A), located in coding exon 24 of the ANKRD26 gene, results from a C to A substitution at nucleotide position 2800. The glutamine at codon 934 is replaced by lysine, an amino acid with similar properties. This amino acid position is conserved. In addition, this alteration is predicted to be tolerated by in silico analysis. Based on the available evidence, the clinical significance of this variant remains unclear.